The following is an entry in ClinVar:

NM_181712.5(KANK4):c.638T>C (p.Phe213Ser)

Gene: KANK4 (KN motif and ankyrin repeat domains 4; minus strand). Cytogenetic location: 1p31.3.
Variant type: single nucleotide variant.
Coding change: c.638T>C on transcript NM_181712.5 (MANE Select); coding-DNA position 638, T replaced by C.
Protein change: p.Phe213Ser; replaces phenylalanine 213 with serine.
Molecular consequence: missense variant. On other transcripts: intron variant (1).
Genome position (GRCh38, 1-based): chr1:62,274,466, A>G on the plus strand (T>C on the coding strand, the complement: KANK4 is on the minus strand). VCF-style: chr1-62274466-A-G. GRCh37 (hg19) VCF-style: chr1-62740138-A-G.
Other names: c.17-2877T>C (NM_001320269.2); short protein forms F213S.
Identifiers: ClinVar variation 2692897 (VCV002692897.3), dbSNP rs2522876636, ClinGen allele CA340620564.

ClinVar aggregate classification (germline): Uncertain significance (1 of 4 stars; one submission).

Submission:

Labcorp Genetics (formerly Invitae), Labcorp
Classification: Uncertain significance. Last evaluated: 2024-06-03. Review status: criteria provided, single submitter. Criteria: Invitae Variant Classification Sherloc (09022015). Collection method: clinical testing. Allele origin: germline.
Comment: This sequence change replaces phenylalanine, which is neutral and non-polar, with serine, which is neutral and polar, at codon 213 of the KANK4 protein (p.Phe213Ser). This variant is not present in population databases (gnomAD no frequency). This variant has not been reported in the literature in individuals affected with KANK4-related conditions. An algorithm developed to predict the effect of missense changes on protein structure and function (PolyPhen-2) suggests that this variant is likely to be tolerated. In summary, the available evidence is currently insufficient to determine the role of this variant in disease. Therefore, it has been classified as a Variant of Uncertain Significance.